The following is an entry in ClinVar:

NM_198506.5(LRIT3):c.827A>G (p.Asp276Gly)

Gene: LRIT3 (leucine rich repeat, Ig-like and transmembrane domains 3; plus strand). Cytogenetic location: 4q25.
Variant type: single nucleotide variant.
Coding change: c.827A>G on transcript NM_198506.5 (MANE Select); coding-DNA position 827, A replaced by G.
Protein change: p.Asp276Gly; replaces aspartic acid 276 with glycine.
Molecular consequence: missense variant.
Genome position (GRCh38, 1-based): chr4:109,867,878, A>G. VCF-style: chr4-109867878-A-G. GRCh37 (hg19) VCF-style: chr4-110789034-A-G.
Other names: short protein forms D276G.
Identifiers: ClinVar variation 1901896 (VCV001901896.5), dbSNP rs759464908, ClinGen allele CA3043064.

ClinVar aggregate classification (germline): Uncertain significance (1 of 4 stars; one submission).

gnomAD v4.1: 9 of 1,613,906 alleles (0.00056%); highest among the groups gnomAD compares: East Asian, 0.018%; no homozygotes.

Submission:

Labcorp Genetics (formerly Invitae), Labcorp
Classification: Uncertain significance. Last evaluated: 2023-07-17. Review status: criteria provided, single submitter. Criteria: Invitae Variant Classification Sherloc (09022015). Collection method: clinical testing. Allele origin: germline.
Comment: This sequence change replaces aspartic acid, which is acidic and polar, with glycine, which is neutral and non-polar, at codon 276 of the LRIT3 protein (p.Asp276Gly). In summary, the available evidence is currently insufficient to determine the role of this variant in disease. Therefore, it has been classified as a Variant of Uncertain Significance. An algorithm developed to predict the effect of missense changes on protein structure and function (PolyPhen-2) suggests that this variant is likely to be disruptive. ClinVar contains an entry for this variant (Variation ID: 1901896). This variant has not been reported in the literature in individuals affected with LRIT3-related conditions. This variant is present in population databases (rs759464908, gnomAD 0.05%).